The following is an entry in ClinVar:

NM_001103.4(ACTN2):c.2006G>A (p.Gly669Glu)

Gene: ACTN2 (actinin alpha 2; plus strand). Cytogenetic location: 1q43.
Variant type: single nucleotide variant.
Coding change: c.2006G>A on transcript NM_001103.4 (MANE Select); coding-DNA position 2006, G replaced by A.
Protein change: p.Gly669Glu; replaces glycine 669 with glutamic acid.
Molecular consequence: missense variant. On other transcripts: non-coding transcript variant (1).
Genome position (GRCh38, 1-based): chr1:236,755,050, G>A. VCF-style: chr1-236755050-G-A. GRCh37 (hg19) VCF-style: chr1-236918350-G-A.
Other names: c.2006G>A, p.Gly669Glu (NM_001278343.2); short protein forms G669E.
Identifiers: ClinVar variation 3749484 (VCV003749484.2).

ClinVar aggregate classification (germline): Uncertain significance (1 of 4 stars; one submission).

Conditions:
Primary familial hypertrophic cardiomyopathy (HCM). Identifiers: Orphanet 99739, MedGen C0949658, MeSH D024741, MONDO:0024573. Inheritance: Various modes of inheritance.
Dilated cardiomyopathy 1AA (CMD1AA). Also called: Cardiomyopathy, dilated, 1AA, with or without LVNC; CARDIOMYOPATHY, DILATED, 1AA, WITH OR WITHOUT LEFT VENTRICULAR NONCOMPACTION; CARDIOMYOPATHY, FAMILIAL HYPERTROPHIC, 23, WITH OR WITHOUT LEFT VENTRICULAR NONCOMPACTION. Identifiers: Orphanet 154, MedGen C2677338, MONDO:0012808, OMIM 612158.

gnomAD v4.1: 1 of 1,614,204 alleles (0.000062%); highest among the groups gnomAD compares: Non-Finnish European, 0.000085%; no homozygotes.

Submission:

Labcorp Genetics (formerly Invitae), Labcorp
Classification: Uncertain significance for Primary familial hypertrophic cardiomyopathy; Dilated cardiomyopathy 1AA. Last evaluated: 2025-11-18. Review status: criteria provided, single submitter. Criteria: Invitae Variant Classification Sherloc (09022015). Collection method: clinical testing. Allele origin: germline.
Comment: This sequence change replaces glycine, which is neutral and non-polar, with glutamic acid, which is acidic and polar, at codon 669 of the ACTN2 protein (p.Gly669Glu). This variant is not present in population databases (gnomAD no frequency). This variant has not been reported in the literature in individuals affected with ACTN2-related conditions. ClinVar contains an entry for this variant (Variation ID: 3749484). Invitae Evidence Modeling of protein sequence and biophysical properties (such as structural, functional, and spatial information, amino acid conservation, physicochemical variation, residue mobility, and thermodynamic stability) indicates that this missense variant is not expected to disrupt ACTN2 protein function with a negative predictive value of 80%. In summary, the available evidence is currently insufficient to determine the role of this variant in disease. Therefore, it has been classified as a Variant of Uncertain Significance.